The following is an entry in ClinVar:

ClinVar aggregate classification (germline): Uncertain significance. Review status: criteria provided, multiple submitters, no conflicts (2 of 4 stars). 2 submissions from 2 submitters: Uncertain significance (2). Last evaluated 2026-04-09.

gnomAD v4.1: 35 of 1,613,774 alleles (0.0022%); highest among the groups gnomAD compares: African/African-American, 0.017%; no homozygotes.

Submissions (2):

Women's Health and Genetics/Laboratory Corporation of America, LabCorp
Classification: Uncertain significance. Last evaluated: 2026-04-09. Review status: criteria provided, single submitter. Criteria: LabCorp Variant Classification Summary - May 2015. Collection method: clinical testing. Allele origin: germline.
Comment: Variant summary: COPG1 c.740G>A (p.Arg247His) results in a non-conservative amino acid change in the encoded protein sequence. Algorithms developed to predict the effect of missense changes on protein structure and function are either unavailable or do not agree on the potential impact of this missense change. Consensus agreement among computation tools predict no significant impact on normal splicing. However, these predictions have yet to be confirmed by functional studies. The variant allele was found at a frequency of 3.6e-05 in 251284 control chromosomes. The available data on variant occurrences in the general population are insufficient to allow any conclusion about variant significance. To our knowledge, no occurrence of c.740G>A in individuals affected with COPG1-related conditions and no experimental evidence demonstrating its impact on protein function have been reported. ClinVar contains an entry for this variant (Variation ID: 4005763). Based on the evidence outlined above, the variant was classified as uncertain significance.

Ambry Genetics
Classification: Uncertain significance. Last evaluated: 2025-06-07. Review status: criteria provided, single submitter. Criteria: Ambry Variant Classification Scheme 2023. Collection method: clinical testing. Allele origin: germline.

NM_016128.4(COPG1):c.740G>A (p.Arg247His)

Gene: COPG1 (coat protein complex I subunit gamma 1; plus strand). Cytogenetic location: 3q21.3.
Variant type: single nucleotide variant.
Coding change: c.740G>A on transcript NM_016128.4 (MANE Select); coding-DNA position 740, G replaced by A.
Protein change: p.Arg247His; replaces arginine 247 with histidine.
Molecular consequence: missense variant.
Genome position (GRCh38, 1-based): chr3:129,257,729, G>A. VCF-style: chr3-129257729-G-A. GRCh37 (hg19) VCF-style: chr3-128976572-G-A.
Other names: short protein forms R247H.
Identifiers: ClinVar variation 4005763 (VCV004005763.2).